The following is an entry in ClinVar:

NM_021076.4(NEFH):c.2338A>C (p.Lys780Gln)

Gene: NEFH (neurofilament heavy chain; plus strand). Cytogenetic location: 22q12.2.
Variant type: single nucleotide variant.
Coding change: c.2338A>C on transcript NM_021076.4 (MANE Select); coding-DNA position 2338, A replaced by C.
Protein change: p.Lys780Gln; replaces lysine 780 with glutamine.
Molecular consequence: missense variant.
Genome position (GRCh38, 1-based): chr22:29,489,978, A>C. VCF-style: chr22-29489978-A-C. GRCh37 (hg19) VCF-style: chr22-29885967-A-C.
Other names: short protein forms K780Q.
Identifiers: ClinVar variation 2113645 (VCV002113645.4), dbSNP rs1010592768, ClinGen allele CA411136996.

ClinVar aggregate classification (germline): Uncertain significance (1 of 4 stars; one submission).

Submission:

Labcorp Genetics (formerly Invitae), Labcorp
Classification: Uncertain significance. Last evaluated: 2022-07-15. Review status: criteria provided, single submitter. Criteria: Invitae Variant Classification Sherloc (09022015). Collection method: clinical testing. Allele origin: germline.
Comment: Advanced modeling of protein sequence and biophysical properties (such as structural, functional, and spatial information, amino acid conservation, physicochemical variation, residue mobility, and thermodynamic stability) performed at Invitae indicates that this missense variant is not expected to disrupt NEFH protein function. This sequence change replaces lysine, which is basic and polar, with glutamine, which is neutral and polar, at codon 780 of the NEFH protein (p.Lys780Gln). This variant is not present in population databases (gnomAD no frequency). This variant has not been reported in the literature in individuals affected with NEFH-related conditions. In summary, the available evidence is currently insufficient to determine the role of this variant in disease. Therefore, it has been classified as a Variant of Uncertain Significance.